The following is an entry in ClinVar:

ClinVar aggregate classification (germline): Uncertain significance (1 of 4 stars; one submission).

Conditions:
Disorder of bone. Also called: Bone disease; Rare bone disease related to a common gene or pathway defect; Bone disorder. Identifiers: Orphanet 364803, MedGen C0005940, MONDO:0005381.

Submission:

Genome Diagnostics Laboratory, The Hospital for Sick Children
Classification: Uncertain significance for Disorder of bone. Last evaluated: 2025-05-12. Review status: criteria provided, single submitter. Criteria: ACMG Guidelines, 2015. Collection method: clinical testing. Allele origin: germline. Affected: yes.
Comment: This variant is predicted to cause an in-frame duplication of 5 amino acids in a non repetitive region. To the best of our knowledge, this variant has not been previously reported in the scientific literature as a benign variant or a disease-causing change. This variant was not observed in populations of the Genome Aggregation Database (gnomAD). Based on the evidence above, this variant is classified as a variant of uncertain significance (ACMG criteria - PM2, PM4)

NM_001287.6(CLCN7):c.698_712dup (p.Ser237_Val238insGlyValIleLeuSer)

Gene: CLCN7 (chloride voltage-gated channel 7; minus strand). Cytogenetic location: 16p13.3.
Variant type: Duplication.
Coding change: c.698_712dup on transcript NM_001287.6 (MANE Select); coding-DNA positions 698 to 712, 15 bases duplicated (GTGTGATCCTGTCCG).
Protein change: p.Ser237_Val238insGlyValIleLeuSer.
Molecular consequence: inframe insertion.
Genome position (GRCh38, 1-based): chr16:1,457,720-1,457,734, CGGACAGGATCACAC duplicated on the plus strand (GTGTGATCCTGTCCG on the coding strand, the reverse complement: CLCN7 is on the minus strand); duplicating any 15 consecutive bases within chr16:1,457,720-1,457,740 gives the same sequence; the c. name uses the placement nearest the transcript's 3' end. VCF-style (leftmost placement, unchanged base first): chr16-1457719-A-ACGGACAGGATCACAC. GRCh37 (hg19) VCF-style: chr16-1507720-A-ACGGACAGGATCACAC.
Other names: c.626_640dup, p.Ser213_Val214insGlyValIleLeuSer (NM_001114331.3).
Identifiers: ClinVar variation 1701975 (VCV001701975.4), dbSNP rs2142382851, ClinGen allele CA2580090441.